The following is an entry in ClinVar:

ClinVar aggregate classification (germline): Uncertain significance (1 of 4 stars; one submission).

Conditions:
Brain small vessel disease 2A, autosomal dominant. Also called: Porencephaly 2. Identifiers: Orphanet 2940, Orphanet 99810, MedGen C3280970, MONDO:0013773, OMIM 614483.
Hemorrhage, intracerebral, susceptibility to (ICH). Also called: Stroke, hemorrhagic, susceptibility to. Identifiers: MedGen C3281105, MONDO:0100533, OMIM 614519.

Submission:

Juno Genomics, Hangzhou Juno Genomics, Inc
Classification: Uncertain significance for Hemorrhage, intracerebral, susceptibility to; Brain small vessel disease 2A, autosomal dominant. Review status: criteria provided, single submitter. Criteria: ACMG Guidelines, 2015. Collection method: clinical testing. Allele origin: germline.
Comment: Absent from controls (or at extremely low frequency if recessive) in Genome Aggregation Database.

NM_001846.4(COL4A2):c.1129C>T (p.Gln377Ter)

Gene: COL4A2 (collagen type IV alpha 2 chain; plus strand). Cytogenetic location: 13q34.
Variant type: single nucleotide variant.
Coding change: c.1129C>T on transcript NM_001846.4 (MANE Select); coding-DNA position 1129, C replaced by T.
Protein change: p.Gln377Ter; replaces glutamine 377 with a stop codon.
Molecular consequence: nonsense.
Genome position (GRCh38, 1-based): chr13:110,449,729, C>T. VCF-style: chr13-110449729-C-T. GRCh37 (hg19) VCF-style: chr13-111102076-C-T.
Other names: short protein forms Q377*.
Identifiers: ClinVar variation 5005227 (VCV005005227.2).